The following is an entry in ClinVar:

ClinVar aggregate classification (germline): Likely benign (1 of 4 stars; one submission).

Conditions:
Retinitis pigmentosa (RP). Identifiers: Orphanet 791, MedGen C0035334, MeSH D012174, MONDO:0019200, OMIM 268000. Inheritance: Autosomal dominant, autosomal recessive and X linked inheritance.

Allele frequency attached by ClinVar (database versions not stated): gnomAD exomes 0.00033; gnomAD 0.00054; TOPMed 0.00057; 1000 Genomes Project 30x 0.00094; 1000 Genomes Project 0.00100.
gnomAD v4.1: 145 of 397,956 alleles (0.036%); highest among the groups gnomAD compares: East Asian, 0.42%; no homozygotes.

Submission:

Illumina Laboratory Services, Illumina
Classification: Likely benign for Retinitis pigmentosa. Last evaluated: 2018-01-13. Review status: criteria provided, single submitter. Criteria: ICSL Variant Classification Criteria 13 December 2019. Collection method: clinical testing. Allele origin: germline.
Comment: This variant was observed in the ICSL laboratory as part of a predisposition screen in an ostensibly healthy population. It had not been previously curated by ICSL or reported in the Human Gene Mutation Database (HGMD: prior to June 1st, 2018), and was therefore a candidate for classification through an automated scoring system. Utilizing variant allele frequency, disease prevalence and penetrance estimates, and inheritance mode, an automated score was calculated to assess if this variant is too frequent to cause the disease. Based on the score and internal cut-off values, a variant classified as likely benign is not then subjected to further curation. The score for this variant resulted in a classification of likely benign for this disease.

NM_001354768.3(NRL):c.*213C>A

Gene: NRL (neural retina leucine zipper; minus strand). Cytogenetic location: 14q11.2.
Variant type: single nucleotide variant.
Coding change: c.*213C>A on transcript NM_001354768.3 (MANE Select); 213 bases downstream of the stop codon, C replaced by A.
Molecular consequence: 3 prime UTR variant.
Genome position (GRCh38, 1-based): chr14:24,081,023, G>T on the plus strand (C>A on the coding strand, the complement: NRL is on the minus strand). VCF-style: chr14-24081023-G-T. GRCh37 (hg19) VCF-style: chr14-24550232-G-T.
Other names: c.*213C>A (NM_001354769.1, NM_001354770.2, NM_006177.5).
Identifiers: ClinVar variation 312936 (VCV000312936.5), dbSNP rs79489503, ClinGen allele CA10634762.